The following is an entry in ClinVar:

ClinVar aggregate classification (germline): Uncertain significance (1 of 4 stars; one submission).

Conditions:
Joubert syndrome 26 (JBTS26). Identifiers: Orphanet 475, MedGen C4084843, MONDO:0014771, OMIM 616784.

Allele frequency attached by ClinVar (database versions not stated): gnomAD exomes 0.00001; ExAC 0.00002; TOPMed 0.00002.
gnomAD v4.1: 16 of 1,614,256 alleles (0.00099%); highest among the groups gnomAD compares: East Asian, 0.0089%; no homozygotes.

Submission:

Labcorp Genetics (formerly Invitae), Labcorp
Classification: Uncertain significance. Last evaluated: 2026-01-05. Review status: criteria provided, single submitter. Criteria: Invitae Variant Classification Sherloc (09022015). Collection method: clinical testing. Allele origin: germline.
Comment: This sequence change replaces proline, which is neutral and non-polar, with leucine, which is neutral and non-polar, at codon 1340 of the KIAA0556 protein (p.Pro1340Leu). This variant is present in population databases (rs781702979, gnomAD 0.006%). This variant has not been reported in the literature in individuals affected with KIAA0556-related conditions. ClinVar contains an entry for this variant (Variation ID: 1924451). An algorithm developed to predict the effect of missense changes on protein structure and function (PolyPhen-2) suggests that this variant is likely to be disruptive. In summary, the available evidence is currently insufficient to determine the role of this variant in disease. Therefore, it has been classified as a Variant of Uncertain Significance.

NM_015202.5(KATNIP):c.4019C>T (p.Pro1340Leu)

Genes: KATNIP (katanin interacting protein; plus strand), LOC126862323 (P300/CBP strongly-dependent group 1 enhancer GRCh37_chr16:27780758-27781957; plus strand). Cytogenetic location: 16p12.1.
Variant type: single nucleotide variant.
Coding change: c.4019C>T on transcript NM_015202.5 (MANE Select); coding-DNA position 4019, C replaced by T.
Protein change: p.Pro1340Leu; replaces proline 1340 with leucine.
Molecular consequence: missense variant.
Genome position (GRCh38, 1-based): chr16:27,769,904, C>T. VCF-style: chr16-27769904-C-T. GRCh37 (hg19) VCF-style: chr16-27781225-C-T.
Other names: c.4019C>T (NM_015202.2); short protein forms P1340L.
Identifiers: ClinVar variation 1924451 (VCV001924451.6), dbSNP rs781702979, ClinGen allele CA7978474.
Genomic context (GRCh38, chr16:27,769,904, plus strand): 5'-TTTCTTTTGTTTGCCAGGCCAAGATTGTCCACGTCTCCCTGGATGGCCTGTGCGTCTCCC[C>T]GCCAGAGGGCTTTCTCATCCGGAAGGGGCCAGGCAACTGCCACTTTGATTTTGCTCAAGA-3'
Protein context (NP_056017.4, residues 1330-1350): HVSLDGLCVS[Pro1340Leu]PEGFLIRKGP